The following is an entry in ClinVar:

ClinVar aggregate classification (germline): Uncertain significance (1 of 4 stars; one submission).

Conditions:
Cardiomyopathy (CMYO). Also called: Cardiomyopathies. Identifiers: Orphanet 167848, MedGen C0878544, MONDO:0004994, HP:0001638. Inheritance: Various modes of inheritance.

Submission:

Color Diagnostics, LLC DBA Color Health
Classification: Uncertain significance for Cardiomyopathy. Last evaluated: 2024-03-06. Review status: criteria provided, single submitter. Criteria: ACMG Guidelines, 2015. Collection method: clinical testing. Allele origin: germline.
Comment: This missense variant replaces threonine with isoleucine at codon 332 of the TMEM43 protein. Computational prediction suggests that this variant may not impact protein structure and function (internally defined REVEL score threshold <= 0.5, PMID: 27666373). To our knowledge, functional studies have not been reported for this variant. This variant has not been reported in individuals affected with TMEM43-related disorders in the literature. This variant has not been identified in the general population by the Genome Aggregation Database (gnomAD). The available evidence is insufficient to determine the role of this variant in disease conclusively. Therefore, this variant is classified as a Variant of Uncertain Significance.

NM_024334.3(TMEM43):c.995C>T (p.Thr332Ile)

Gene: TMEM43 (transmembrane protein 43; plus strand). Cytogenetic location: 3p25.1.
Variant type: single nucleotide variant.
Coding change: c.995C>T on transcript NM_024334.3 (MANE Select); coding-DNA position 995, C replaced by T.
Protein change: p.Thr332Ile; replaces threonine 332 with isoleucine.
Molecular consequence: missense variant.
Genome position (GRCh38, 1-based): chr3:14,139,292, C>T. VCF-style: chr3-14139292-C-T. GRCh37 (hg19) VCF-style: chr3-14180792-C-T.
Other names: short protein forms T332I.
Identifiers: ClinVar variation 927066 (VCV000927066.5), dbSNP rs1695218764, ClinGen allele CA351536318.